The following is an entry in ClinVar:

NM_014423.4(AFF4):c.368G>A (p.Arg123Gln)

Gene: AFF4 (ALF transcription elongation factor 4; minus strand). Cytogenetic location: 5q31.1.
Variant type: single nucleotide variant.
Coding change: c.368G>A on transcript NM_014423.4 (MANE Select); coding-DNA position 368, G replaced by A.
Protein change: p.Arg123Gln; replaces arginine 123 with glutamine.
Molecular consequence: missense variant.
Genome position (GRCh38, 1-based): chr5:132,934,697, C>T on the plus strand (G>A on the coding strand, the complement: AFF4 is on the minus strand). VCF-style: chr5-132934697-C-T. GRCh37 (hg19) VCF-style: chr5-132270389-C-T.
Other names: short protein forms R123Q.
Identifiers: ClinVar variation 3630627 (VCV003630627.2).

ClinVar aggregate classification (germline): Uncertain significance (1 of 4 stars; one submission).

Conditions:
Cognitive impairment - coarse facies - heart defects - obesity - pulmonary involvement - short stature - skeletal dysplasia syndrome. Also called: AFF4-Related CHOPS Syndrome; COGNITIVE IMPAIRMENT, COARSE FACIES, HEART DEFECTS, OBESITY, PULMONARY INVOLVEMENT, SHORT STATURE, AND SKELETAL DYSPLASIA; Chops syndrome. Identifiers: Orphanet 444077, MedGen C4085597, MONDO:0014609, OMIM 616368.

gnomAD v4.1: 3 of 1,614,058 alleles (0.00019%); highest among the groups gnomAD compares: African/African-American, 0.0013%; no homozygotes.

Submission:

Labcorp Genetics (formerly Invitae), Labcorp
Classification: Uncertain significance for Cognitive impairment - coarse facies - heart defects - obesity - pulmonary involvement - short stature - skeletal dysplasia syndrome. Last evaluated: 2024-03-20. Review status: criteria provided, single submitter. Criteria: Invitae Variant Classification Sherloc (09022015). Collection method: clinical testing. Allele origin: germline.
Comment: This sequence change replaces arginine, which is basic and polar, with glutamine, which is neutral and polar, at codon 123 of the AFF4 protein (p.Arg123Gln). This variant is present in population databases (no rsID available, gnomAD 0.007%). This variant has not been reported in the literature in individuals affected with AFF4-related conditions. Advanced modeling of protein sequence and biophysical properties (such as structural, functional, and spatial information, amino acid conservation, physicochemical variation, residue mobility, and thermodynamic stability) performed at Invitae indicates that this missense variant is not expected to disrupt AFF4 protein function with a negative predictive value of 80%. In summary, the available evidence is currently insufficient to determine the role of this variant in disease. Therefore, it has been classified as a Variant of Uncertain Significance.